The following is an entry in ClinVar:

ClinVar aggregate classification (germline): Uncertain significance. Review status: criteria provided, multiple submitters, no conflicts (2 of 4 stars). 2 submissions from 2 submitters: Uncertain significance (2). Last evaluated 2024-08-17.

Conditions:
Hereditary cancer-predisposing syndrome. Also called: Hereditary neoplastic syndrome; Tumor predisposition; Hereditary Cancer Syndrome; Neoplastic Syndromes, Hereditary. Identifiers: Orphanet 140162, MedGen C0027672, MeSH D009386, MONDO:0015356.
Oligodontia-cancer predisposition syndrome. Also called: TOOTH AGENESIS-COLORECTAL CANCER SYNDROME. Identifiers: Orphanet 300576, MedGen C1837750, MONDO:0012075, OMIM 608615. Disease mechanism: loss of function.

Submissions (2):

Labcorp Genetics (formerly Invitae), Labcorp
Classification: Uncertain significance for Oligodontia-cancer predisposition syndrome. Last evaluated: 2024-08-17. Review status: criteria provided, single submitter. Criteria: Invitae Variant Classification Sherloc (09022015). Collection method: clinical testing. Allele origin: germline.
Comment: This sequence change replaces serine, which is neutral and polar, with asparagine, which is neutral and polar, at codon 15 of the AXIN2 protein (p.Ser15Asn). This variant is not present in population databases (gnomAD no frequency). This variant has not been reported in the literature in individuals affected with AXIN2-related conditions. ClinVar contains an entry for this variant (Variation ID: 2586378). Invitae Evidence Modeling of protein sequence and biophysical properties (such as structural, functional, and spatial information, amino acid conservation, physicochemical variation, residue mobility, and thermodynamic stability) indicates that this missense variant is not expected to disrupt AXIN2 protein function with a negative predictive value of 80%. In summary, the available evidence is currently insufficient to determine the role of this variant in disease. Therefore, it has been classified as a Variant of Uncertain Significance.

Ambry Genetics
Classification: Uncertain significance for Hereditary cancer-predisposing syndrome. Last evaluated: 2023-09-09. Review status: criteria provided, single submitter. Criteria: Ambry Variant Classification Scheme 2023. Collection method: clinical testing. Allele origin: germline.
Comment: The p.S15N variant (also known as c.44G>A), located in coding exon 1 of the AXIN2 gene, results from a G to A substitution at nucleotide position 44. The serine at codon 15 is replaced by asparagine, an amino acid with highly similar properties. This amino acid position is conserved. In addition, this alteration is predicted to be tolerated by in silico analysis. Since supporting evidence is limited at this time, the clinical significance of this alteration remains unclear.

NM_004655.4(AXIN2):c.44G>A (p.Ser15Asn)

Gene: AXIN2 (axin 2; minus strand). Cytogenetic location: 17q24.1.
Variant type: single nucleotide variant.
Coding change: c.44G>A on transcript NM_004655.4 (MANE Select); coding-DNA position 44, G replaced by A.
Protein change: p.Ser15Asn; replaces serine 15 with asparagine.
Molecular consequence: missense variant.
Genome position (GRCh38, 1-based): chr17:65,558,577, C>T on the plus strand (G>A on the coding strand, the complement: AXIN2 is on the minus strand). VCF-style: chr17-65558577-C-T. GRCh37 (hg19) VCF-style: chr17-63554695-C-T.
Other names: c.44G>A, p.Ser15Asn (NM_001363813.1); short protein forms S15N.
Identifiers: ClinVar variation 2586378 (VCV002586378.4), dbSNP rs2144591980, ClinGen allele CA400682393.
Genomic context (GRCh38, chr17:65,558,577, plus strand): 5'-GGTGGGGTCTCCCCTTCTTCCCCTGGCACTGGGGGCCGCGGGGCATCCTCACGGAAGCTG[C>T]TGCTGGGGTCCGGGAGGCAAGTCACCAACATAGCGCTACTCATGGTGAGGGAGCTCTTCC-3'
Protein context (NP_004646.3, residues 5-25): MLVTCLPDPS[Ser15Asn]SFREDAPRPP